The following is an entry in ClinVar:

ClinVar aggregate classification (germline): Conflicting classifications of pathogenicity. Review status: criteria provided, conflicting classifications (1 of 4 stars). 4 submissions from 4 submitters: Uncertain significance (3); Likely benign (1). Last evaluated 2024-09-25.

Conditions:
Cornelia de Lange syndrome 1 (CDLS1). Also called: TYPUS DEGENERATIVUS AMSTELODAMENSIS; NIPBL-Related Cornelia de Lange Syndrome; Brachmann de Lange syndrome. Identifiers: Orphanet 199, MedGen C4551851, MONDO:0007387, OMIM 122470.
Inborn genetic diseases. Identifiers: MedGen C0950123, MeSH D030342.

Allele frequency attached by ClinVar (database versions not stated): gnomAD 0.00001; TOPMed 0.00001; gnomAD exomes 0.00002; ExAC 0.00003; ESP Exome Variant Server 0.00008.
gnomAD v4.1: 32 of 1,613,804 alleles (0.002%); highest among the groups gnomAD compares: Non-Finnish European, 0.0025%; no homozygotes.

Submissions (4):

Labcorp Genetics (formerly Invitae), Labcorp
Classification: Uncertain significance for Cornelia de Lange syndrome 1. Last evaluated: 2024-09-25. Review status: criteria provided, single submitter. Criteria: Invitae Variant Classification Sherloc (09022015). Collection method: clinical testing. Allele origin: germline.
Comment: This sequence change replaces asparagine, which is neutral and polar, with aspartic acid, which is acidic and polar, at codon 105 of the NIPBL protein (p.Asn105Asp). This variant is present in population databases (rs376768802, gnomAD 0.003%). This variant has not been reported in the literature in individuals affected with NIPBL-related conditions. ClinVar contains an entry for this variant (Variation ID: 907507). Invitae Evidence Modeling of protein sequence and biophysical properties (such as structural, functional, and spatial information, amino acid conservation, physicochemical variation, residue mobility, and thermodynamic stability) has been performed for this missense variant. However, the output from this modeling did not meet the statistical confidence thresholds required to predict the impact of this variant on NIPBL protein function. In summary, the available evidence is currently insufficient to determine the role of this variant in disease. Therefore, it has been classified as a Variant of Uncertain Significance.

Blueprint Genetics
Classification: Likely benign. Last evaluated: 2023-11-28. Review status: criteria provided, single submitter. Criteria: ACMG Guidelines, 2015. Collection method: clinical testing. Allele origin: germline.

Illumina Laboratory Services, Illumina
Classification: Uncertain significance for Cornelia de Lange syndrome 1. Last evaluated: 2018-01-13. Review status: criteria provided, single submitter. Criteria: ICSL Variant Classification Criteria 13 December 2019. Collection method: clinical testing. Allele origin: germline.

Ambry Genetics
Classification: Uncertain significance for Inborn genetic diseases. Last evaluated: 2017-07-21. Review status: criteria provided, single submitter. Criteria: Ambry Variant Classification Scheme 2023. Collection method: clinical testing. Allele origin: germline.
Comment: The p.N105D variant (also known as c.313A>G), located in coding exon 3 of the NIPBL gene, results from an A to G substitution at nucleotide position 313. The asparagine at codon 105 is replaced by aspartic acid, an amino acid with highly similar properties. This alteration was detected in an individual with atrioventricular septal defect (AVSD) who underwent whole exome sequencing (D'Alessandro LC et al. Genet. Med., 2016 Feb;18:189-98). This amino acid position is well conserved in available vertebrate species. In addition, the in silico prediction for this alteration is inconclusive. Since supporting evidence is limited at this time, the clinical significance of this alteration remains unclear.

Literature cited by the submitters: PubMed 25996639 (cited by Ambry Genetics).

NM_133433.4(NIPBL):c.313A>G (p.Asn105Asp)

Gene: NIPBL (NIPBL cohesin loading factor; plus strand). Cytogenetic location: 5p13.2.
Variant type: single nucleotide variant.
Coding change: c.313A>G on transcript NM_133433.4 (MANE Select); coding-DNA position 313, A replaced by G.
Protein change: p.Asn105Asp; replaces asparagine 105 with aspartic acid.
Molecular consequence: missense variant.
Genome position (GRCh38, 1-based): chr5:36,958,186, A>G. VCF-style: chr5-36958186-A-G. GRCh37 (hg19) VCF-style: chr5-36958288-A-G.
Other names: c.313A>G, p.Asn105Asp (NM_015384.5); short protein forms N105D.
Identifiers: ClinVar variation 907507 (VCV000907507.9), dbSNP rs376768802, ClinGen allele CA3235783.